The following is an entry in ClinVar:

NM_001715.3(BLK):c.102C>T (p.Asp34=)

Gene: BLK (BLK proto-oncogene, Src family tyrosine kinase). Cytogenetic location: 8p23.1.
Variant type: single nucleotide variant.
Coding change: c.102C>T on transcript NM_001715.3 (MANE Select); coding-DNA position 102, C replaced by T.
Protein change: p.Asp34=; no amino-acid change (aspartic acid 34 retained).
Molecular consequence: synonymous variant. On other transcripts: intron variant (1).
Genome position (GRCh38, 1-based): chr8:11,543,326, C>T. VCF-style: chr8-11543326-C-T. GRCh37 (hg19) VCF-style: chr8-11400835-C-T.
Other names: c.-90-2726C>T (NM_001330465.2).
Identifiers: ClinVar variation 128525 (VCV000128525.26), dbSNP rs75383960, ClinGen allele CA152037.

ClinVar aggregate classification (germline): Benign/Likely benign. Review status: criteria provided, multiple submitters, no conflicts (2 of 4 stars). 8 submissions from 8 submitters: Benign (7); Likely benign (1). Last evaluated 2026-01-25.

Conditions:
Systemic lupus erythematosus (SLE). Identifiers: Orphanet 536, MedGen C0024141, MONDO:0007915, OMIM 152700, HP:0002725.
Maturity-onset diabetes of the young type 11. Identifiers: Orphanet 552, MedGen C3150618, MONDO:0013242, OMIM 613375.

Allele frequency attached by ClinVar (database versions not stated): gnomAD exomes 0.00075 and 0.00188; ExAC 0.00253; gnomAD 0.00705 and 0.00743; TOPMed 0.00744; ESP Exome Variant Server 0.00777; 1000 Genomes Project 30x 0.00953; 1000 Genomes Project 0.00998.
gnomAD v4.1: 2,232 of 1,610,934 alleles (0.14%); highest among the groups gnomAD compares: African/African-American, 2.6%; 29 homozygotes.

Submissions (8):

Labcorp Genetics (formerly Invitae), Labcorp
Classification: Benign. Last evaluated: 2026-01-25. Review status: criteria provided, single submitter. Criteria: Invitae Variant Classification Sherloc (09022015). Collection method: clinical testing. Allele origin: germline.

Fulgent Genetics
Classification: Likely benign for Maturity-onset diabetes of the young type 11. Last evaluated: 2021-07-19. Review status: criteria provided, single submitter. Criteria: ACMG Guidelines, 2015. Collection method: clinical testing. Allele origin: unknown.

GeneDx
Classification: Benign. Last evaluated: 2020-02-27. Review status: criteria provided, single submitter. Criteria: GeneDx Variant Classification Process June 2021. Collection method: clinical testing. Allele origin: germline. Affected: yes.

Illumina Laboratory Services, Illumina
Classification: Benign for Maturity-onset diabetes of the young type 11. Last evaluated: 2018-01-12. Review status: criteria provided, single submitter. Criteria: ICSL Variant Classification Criteria 13 December 2019. Collection method: clinical testing. Allele origin: germline.
Comment: This variant was observed in the ICSL laboratory as part of a predisposition screen in an ostensibly healthy population. It had not been previously curated by ICSL or reported in the Human Gene Mutation Database (HGMD: prior to June 1st, 2018), and was therefore a candidate for classification through an automated scoring system. Utilizing variant allele frequency, disease prevalence and penetrance estimates, and inheritance mode, an automated score was calculated to assess if this variant is too frequent to cause the disease. Based on the score and internal cut-off values, a variant classified as benign is not then subjected to further curation. The score for this variant resulted in a classification of benign for this disease.

Genetic Services Laboratory, University of Chicago
Classification: Benign. Last evaluated: 2017-08-29. Review status: criteria provided, single submitter. Criteria: ACMG Guidelines, 2015. Collection method: clinical testing. Allele origin: germline. Affected: no.

Breakthrough Genomics
Classification: Benign. Review status: criteria provided, single submitter. Criteria: ACMG Guidelines, 2015. Collection method: not provided. Allele origin: germline. Inheritance: Autosomal dominant inheritance. Affected: yes.

Clinical Genomics, Uppaluri K&H Personalized Medicine Clinic
Classification: Benign for Systemic lupus erythematosus. Review status: criteria provided, single submitter. Criteria: K & H Uppaluri Personalized Medicine Clinic Variant Classification & Assertion Criteria_Updated V.1. Collection method: research. Allele origin: unknown.
Comment: BLK gene is associated with Systemic lupus erythematosus, sjogren's syndrome and other systemic inflammatory conditions. However no sufficient evidence is found to ascertain the role of this particular variant rs75383960, yet.

PreventionGenetics, part of Exact Sciences
Classification: Benign. Review status: criteria provided, single submitter. Criteria: ACMG Guidelines, 2015. Collection method: clinical testing. Allele origin: germline.

Literature cited by the submitters: PubMed 32313195 (cited by Clinical Genomics, Uppaluri K&H Personalized Medicine Clinic); PubMed 19667185 (cited by Clinical Genomics, Uppaluri K&H Personalized Medicine Clinic); PubMed 18204098 (cited by Clinical Genomics, Uppaluri K&H Personalized Medicine Clinic); PubMed 24023612 (cited by Clinical Genomics, Uppaluri K&H Personalized Medicine Clinic); PubMed 31670388 (cited by Clinical Genomics, Uppaluri K&H Personalized Medicine Clinic).